The following is an entry in ClinVar:

ClinVar aggregate classification (germline): Pathogenic. Review status: reviewed by expert panel (3 of 4 stars). 33 submissions from 33 submitters: Pathogenic (1). 32 of the submissions do not count toward it. Last evaluated 2018-07-27.

Conditions:
PAH-related disorder. Also called: PAH-related condition.
Hyperphenylalaninemia. Also called: Hyperphenylalaninaemia; Hyperphenylalaninemia (HPA); Hyperphenylalaninemia, non-pku. Identifiers: MedGen C0751435, HP:0004923.
Phenylketonuria (PKU). Also called: FOLLING DISEASE; OLIGOPHRENIA PHENYLPYRUVICA; Phenylketonurias; Phenylketonuria (PKU). Identifiers: Orphanet 716, MedGen C0031485, MONDO:0009861, OMIM 261600. Disease mechanism: loss of function.

Allele frequency attached by ClinVar (database versions not stated): ExAC 0.00049; 1000 Genomes Project 0.00020; gnomAD 0.00026 and 0.00025; gnomAD exomes 0.00037; TOPMed 0.00025; 1000 Genomes Project 30x 0.00031.

Submissions 1 to 9 of 33:

ClinGen PAH Variant Curation Expert Panel
Classification: Pathogenic for Phenylketonuria. Last evaluated: 2018-07-27. Review status: reviewed by expert panel. Criteria: ClinGen PAH ACMG Specifications v1. Collection method: curation. Allele origin: germline. Inheritance: Autosomal recessive inheritance.
Comment: PAH-specific ACMG/AMP criteria applied: PM5: c.1240T>C likely pathogenic in ClinVar; PP3: All computational evidence supports deleterious effect. REVEL=0.982; PS3: 50% activity, 50% immunoreactivity (PMID:2044609); PM3_VeryStrong: Patient #41 p.R408W / p.Y414C, Phe 744 @dx and two homozygous individuals. Total of 9 patients with this variant (PMID:22526846; PMID:17935162; PMID:9399896; PMID:21871829; PMID:26542770); PP4_Moderate: BH4 defect excluded in all patients (PMID:22526846). In summary this variant meets criteria to be classified as pathogenic for phenylketonuria in an autosomal recessive manner based on the ACMG/AMP criteria applied as specified by the PAH Expert Panel: (PM5, PP3, PS3, PM3_VeryStrong, PP4_Moderate).

Institute of Human Genetics, University of Leipzig Medical Center
Classification: Pathogenic for Phenylketonuria. Last evaluated: 2026-06-10. Review status: criteria provided, single submitter. Criteria: ACMG Guidelines, 2015. Collection method: clinical testing. Allele origin: maternal. Inheritance: Autosomal recessive inheritance. Affected: yes. Not counted in ClinVar's aggregate classification.
Comment: Criteria applied: PM3_VSTR,PS3,PM5,PP4_MOD,PP3; Identified as compund heterozygous with NM_000277.3:c.782G>A

PreventionGenetics, part of Exact Sciences
Classification: Pathogenic for PAH-related condition. Last evaluated: 2026-05-29. Review status: criteria provided, single submitter. Criteria: ACMG Guidelines, 2015. Collection method: clinical testing. Allele origin: germline. Not counted in ClinVar's aggregate classification.
Comment: The PAH c.1241A>G variant is predicted to result in the amino acid substitution p.Tyr414Cys. This variant has been well documented to be causative for phenylalanine hydroxylase deficiency (Okano et al. 1991. PubMed ID: 2014036; Réblová et al. 2013. PubMed ID: 23357515). The p.Tyr414Cys substitution has been reported to reduce the activity of the PAH protein, with greatly varied estimates of residual activity ranging from ~10-80% of wild-type (Jennings et al. 2000. PubMed ID: 10980574; Couce et al. 2013. PubMed ID: 23500595; Danecka et al. 2015. PubMed ID: 25596310). The p.Tyr414Cys substitution has been reported to lead to a PAH protein that is responsive to BH4 (Zurflüh et al. 2008. PubMed ID: 17935162). This variant has been classified as pathogenic by the ClinGen PAH Variant Curation Expert Panel and many other laboratories (Variation ID: 593). Based on these observations, we classify this variant as pathogenic.

CeGaT Center for Human Genetics Tuebingen
Classification: Pathogenic. Last evaluated: 2026-04-01. Review status: criteria provided, single submitter. Criteria: CeGaT Center For Human Genetics Tuebingen Variant Classification Criteria Version 2. Collection method: clinical testing. Allele origin: germline. Affected: yes. Observed: 13 variant alleles. Not counted in ClinVar's aggregate classification.
Comment: PAH: PM3:Very Strong, PM2, PP4:Moderate, PS3:Supporting

Labcorp Genetics (formerly Invitae), Labcorp
Classification: Pathogenic for Phenylketonuria. Last evaluated: 2026-02-01. Review status: criteria provided, single submitter. Criteria: Invitae Variant Classification Sherloc (09022015). Collection method: clinical testing. Allele origin: germline. Not counted in ClinVar's aggregate classification.
Comment: This sequence change replaces tyrosine, which is neutral and polar, with cysteine, which is neutral and slightly polar, at codon 414 of the PAH protein (p.Tyr414Cys). This variant is present in population databases (rs5030860, gnomAD 0.07%). This missense change has been observed in individual(s) with mild phenylketonuria (PKU) and non-PKU hyperphenylalaninemia (HPA) (PMID: 8556304, 9399896, 12655544, 20063067, 23764561). In at least one individual the data is consistent with being in trans (on the opposite chromosome) from a pathogenic variant. ClinVar contains an entry for this variant (Variation ID: 593). Invitae Evidence Modeling of protein sequence and biophysical properties (such as structural, functional, and spatial information, amino acid conservation, physicochemical variation, residue mobility, and thermodynamic stability) indicates that this missense variant is expected to disrupt PAH protein function with a positive predictive value of 80%. Experimental studies have shown that this missense change affects PAH function (PMID: 10479481, 17935162, 18538294, 19036622). For these reasons, this variant has been classified as Pathogenic.

Victorian Clinical Genetics Services, Murdoch Childrens Research Institute
Classification: Pathogenic for Phenylketonuria. Last evaluated: 2026-01-27. Review status: criteria provided, single submitter. Criteria: ACMG Guidelines, 2015. Collection method: clinical testing. Allele origin: germline. Not counted in ClinVar's aggregate classification.
Comment: This variant is classified as Pathogenic. Evidence in support of pathogenic classification: Variant is present in gnomAD <0.01 for a recessive condition (v4: 570 heterozygote(s), 1 homozygote(s)); This variant has strong previous evidence of pathogenicity in unrelated individuals. This is a well-reported variant and is commonly described as a mild PKU variant (ClinVar, PKU database, PMID: 30668579). It has been classified as pathogenic by the ClinGen PAH Variant Curation Expert Panel (ClinVar); This variant has moderate functional evidence supporting abnormal protein function. Site-directed mutagenesis studies have shown a 28-80% reduction in PAH activity compared to wild-type (PMID: 30037505). In the BioPKU database, this variant is reported to result in 57% residual enzyme activity (BioPKU). Additional information: Variant is predicted to result in a missense amino acid change from Tyr to Cys; This variant is heterozygous; This gene is associated with autosomal recessive disease; Loss of function is a known mechanism of disease in this gene and is associated with phenylketonuria (MIM#261600).

Variantyx, Inc.
Classification: Pathogenic for Phenylketonuria. Last evaluated: 2026-01-05. Review status: criteria provided, single submitter. Criteria: Variantyx Assertion Criteria 2022. Collection method: clinical testing. Allele origin: germline. Inheritance: Autosomal recessive inheritance. Affected: yes. Not counted in ClinVar's aggregate classification.
Comment: This is a nonsynonymous variant in the PAH gene (OMIM: 612349). Pathogenic variants in this gene have been associated with autosomal recessive phenylketonuria. This variant has been identified in the compound heterozygous state in at least 2 individuals reported in the published literature (PMID: 2044609, 24296287) (PM3_Strong). Functional studies have shown that this variant alters PAH protein function (PMID: 2014036, 10479481, 12655546, 14741196, 17935162, 18538294, 19036622, 21953985, 2044609) (PS3) and multiple computational algorithms predict a deleterious effect for this variant (REVEL score: 0.982) (PP3_Strong). This variant has a 0.0450% maximum allele frequency in non-founder control populations. Based on the evidence, this variant is classified as pathogenic for autosomal recessive phenylketonuria.This variant was reported by previous genetic testing.

Natera, Inc.
Classification: Pathogenic for Phenylketonuria. Last evaluated: 2025-11-03. Review status: criteria provided, single submitter. Criteria: Natera Variant Classification Schema (03/2026). Collection method: clinical testing. Allele origin: germline. Not counted in ClinVar's aggregate classification.
Comment: The c.1241A>G variant in PAH is a missense variant predicted to cause substitution of tyrosine to cysteine at amino acid 414. This variant is rare in the general population with a frequency below the threshold expected for the associated phenotype(s). This variant has been observed in one or more individuals affected with the associated recessive disease, as either homozygous or compound heterozygous with a second variant (PMID: 25596310). Given the available evidence, this variant is classified as Pathogenic.

Mayo Clinic Laboratories, Mayo Clinic
Classification: Pathogenic. Last evaluated: 2025-10-03. Review status: criteria provided, single submitter. Criteria: ACMG Guidelines, 2015. Collection method: clinical testing. Allele origin: germline. Observed: 1 variant allele. Not counted in ClinVar's aggregate classification.
Comment: PP3_strong, PP4_moderate, PM2_supporting, PM4_very_strong, PS3

NM_000277.3(PAH):c.1241A>G (p.Tyr414Cys)

Gene: PAH (phenylalanine hydroxylase; minus strand). Cytogenetic location: 12q23.2.
Variant type: single nucleotide variant.
Coding change: c.1241A>G on transcript NM_000277.3 (MANE Select); coding-DNA position 1241, A replaced by G.
Protein change: p.Tyr414Cys; replaces tyrosine 414 with cysteine.
Molecular consequence: missense variant.
Genome position (GRCh38, 1-based): chr12:102,840,474, T>C on the plus strand (A>G on the coding strand, the complement: PAH is on the minus strand). VCF-style: chr12-102840474-T-C. GRCh37 (hg19) VCF-style: chr12-103234252-T-C.
Other names: p.Y414C:TAC>TGC; NM_000277.1(PAH):c.1241A>G; c.1241A>G (NM_000277.2); c.1241A>G, p.Tyr414Cys (NM_001354304.2); short protein forms Y414C.
Identifiers: ClinVar variation 593 (VCV000000593.93), dbSNP rs5030860, ClinGen allele CA114362.
Genomic context (GRCh38, chr12:102,840,474, plus strand): 5'-GCCAAAATCTTAAGCTGCTGGGTATTGTCCAAGACCTCAATCCTTTGGGTGTATGGGTCG[T>C]AGCGAACTGAGAAGGGCCGAGGTATTGTGGCAGCAAAGTTCCTAAGACCAAAACCACAGG-3'
Protein context (NP_000268.1, residues 404-424): ATIPRPFSVR[Tyr414Cys]DPYTQRIEVL